The following is an entry in ClinVar:

NM_004006.3(DMD):c.8937+8C>G

Gene: DMD (dystrophin; minus strand). Cytogenetic location: Xp21.2.
Variant type: single nucleotide variant.
Coding change: c.8937+8C>G on transcript NM_004006.3 (MANE Select); 8 bases into the intron after coding-DNA position 8937, C replaced by G.
Molecular consequence: intron variant.
Genome position (GRCh38, 1-based): chrX:31,478,098, G>C on the plus strand (C>G on the coding strand, the complement: DMD is on the minus strand). VCF-style: chrX-31478098-G-C. GRCh37 (hg19) VCF-style: chrX-31496215-G-C.
Other names: c.8913+8C>G (NM_000109.4); c.4914+8C>G (NM_004011.4); c.4905+8C>G (NM_004012.4); c.1557+8C>G (NM_004023.3, NM_004020.4, NM_004022.3 and 2 more transcripts); c.750+8C>G (NM_004014.3); c.8925+8C>G (NM_004009.3); c.8568+8C>G (NM_004010.3).
Identifiers: ClinVar variation 392366 (VCV000392366.10), dbSNP rs1057524459, ClinGen allele CA16608429.

ClinVar aggregate classification (germline): Likely benign. Review status: criteria provided, multiple submitters, no conflicts (2 of 4 stars). 2 submissions from 2 submitters: Likely benign (2). Last evaluated 2023-02-13.

Conditions:
Duchenne muscular dystrophy (DMD). Also called: MUSCULAR DYSTROPHY, PSEUDOHYPERTROPHIC PROGRESSIVE, DUCHENNE TYPE; Duchenne Muscular Dystrophy (DMD). Identifiers: Orphanet 98896, MedGen C0013264, MONDO:0010679, OMIM 310200.

Submissions (2):

Labcorp Genetics (formerly Invitae), Labcorp
Classification: Likely benign for Duchenne muscular dystrophy. Last evaluated: 2023-02-13. Review status: criteria provided, single submitter. Criteria: Invitae Variant Classification Sherloc (09022015). Collection method: clinical testing. Allele origin: germline.

GeneDx
Classification: Likely benign. Last evaluated: 2017-01-05. Review status: criteria provided, single submitter. Criteria: GeneDx Variant Classification (06012015). Collection method: clinical testing. Allele origin: germline. Affected: yes.
Comment: This variant is considered likely benign or benign based on one or more of the following criteria: it is a conservative change, it occurs at a poorly conserved position in the protein, it is predicted to be benign by multiple in silico algorithms, and/or has population frequency not consistent with disease.